The following is an entry in ClinVar:

NM_006005.3(WFS1):c.2382GGA[1] (p.Glu795del)

Gene: WFS1 (wolframin ER transmembrane glycoprotein; plus strand). Cytogenetic location: 4p16.1.
Variant type: Microsatellite.
Coding change: c.2382GGA[1] on transcript NM_006005.3 (MANE Select); one copy of the 3-base unit GGA starting at c.2382; the reference has two copies in a row; one copy, 3 bases deleted; also written c.2385_2387del.
Protein change: p.Glu795del; deletes glutamic acid 795.
Molecular consequence: inframe deletion.
Genome position (GRCh38, 1-based): chr4:6,302,180-6,302,182, GGA deleted; deleting any 3 consecutive bases within chr4:6,302,175-6,302,182 gives the same sequence; the position shown is the placement nearest the transcript's 3' end. VCF-style (leftmost placement, unchanged base first): chr4-6302174-CGAG-C. GRCh37 (hg19) VCF-style: chr4-6303901-CGAG-C.
Other names: c.2382GGA[1], p.Glu795del (NM_001145853.1); c.2385_2387del (NM_006005.3); short protein forms E795del.
Identifiers: ClinVar variation 2199613 (VCV002199613.4), dbSNP rs760154610, ClinGen allele CA2839712.

ClinVar aggregate classification (germline): Uncertain significance. Review status: criteria provided, multiple submitters, no conflicts (2 of 4 stars). 4 submissions from 4 submitters: Uncertain significance (4). Last evaluated 2025-03-23.

Conditions:
Autosomal dominant nonsyndromic hearing loss 6 (LFSNHL). Also called: DEAFNESS, AUTOSOMAL DOMINANT 6; Autosomal dominant nonsyndromic deafness 6; DEAFNESS, AUTOSOMAL DOMINANT 14; DEAFNESS, AUTOSOMAL DOMINANT 38. Identifiers: Orphanet 90635, MedGen C1833021, MONDO:0010963, OMIM 600965.
Type 2 diabetes mellitus. Also called: Type II diabetes mellitus. Identifiers: MedGen C0011860, MeSH D003924, MONDO:0005148, OMIM 125853, HP:0005978.
Cataract 41 (CTRCT41). Also called: CATARACT 41, CONGENITAL NUCLEAR TYPE. Identifiers: Orphanet 91492, Orphanet 98991, Orphanet 98992, Orphanet 98995, MedGen C3805412, MONDO:0007287, OMIM 116400.
Wolfram syndrome 1 (WFS1). Identifiers: Orphanet 3463, MedGen C4551693, MONDO:0009101, OMIM 222300.
Wolfram-like syndrome. Also called: HEARING LOSS, PROGRESSIVE, WITH OPTIC ATROPHY AND/OR IMPAIRED GLUCOSE REGULATION. Identifiers: Orphanet 411590, MedGen C3280358, MONDO:0013673, OMIM 614296.

Submissions (4):

GeneDx
Classification: Uncertain significance. Last evaluated: 2025-03-23. Review status: criteria provided, single submitter. Criteria: GeneDx Variant Classification Process June 2021. Collection method: clinical testing. Allele origin: germline. Affected: yes.
Comment: In-frame deletion of 1 amino acid(s) in a non-repeat region; In silico analysis supports a deleterious effect on protein structure/function; Has not been previously published as pathogenic or benign to our knowledge

Fulgent Genetics
Classification: Uncertain significance for Cataract 41; Type 2 diabetes mellitus; Wolfram syndrome 1; Autosomal dominant nonsyndromic hearing loss 6; Wolfram-like syndrome. Last evaluated: 2024-05-30. Review status: criteria provided, single submitter. Criteria: ACMG Guidelines, 2015. Collection method: clinical testing. Allele origin: germline.

Blueprint Genetics
Classification: Uncertain significance. Last evaluated: 2022-11-06. Review status: criteria provided, single submitter. Criteria: ACMG Guidelines, 2015. Collection method: clinical testing. Allele origin: germline.

Labcorp Genetics (formerly Invitae), Labcorp
Classification: Uncertain significance. Last evaluated: 2022-08-22. Review status: criteria provided, single submitter. Criteria: Invitae Variant Classification Sherloc (09022015). Collection method: clinical testing. Allele origin: germline.
Comment: This variant, c.2385_2387del, results in the deletion of 1 amino acid(s) of the WFS1 protein (p.Glu795del), but otherwise preserves the integrity of the reading frame. This variant is present in population databases (rs760154610, gnomAD 0.003%). This variant has not been reported in the literature in individuals affected with WFS1-related conditions. Experimental studies and prediction algorithms are not available or were not evaluated, and the functional significance of this variant is currently unknown. In summary, the available evidence is currently insufficient to determine the role of this variant in disease. Therefore, it has been classified as a Variant of Uncertain Significance.